The following is an entry in ClinVar:

ClinVar aggregate classification (germline): Uncertain significance. Review status: criteria provided, multiple submitters, no conflicts (2 of 4 stars). 2 submissions from 2 submitters: Uncertain significance (2). Last evaluated 2025-07-23.

Conditions:
TTN-related disorder. Also called: TTN-related disorders; TTN-related condition; TTN-related disease.
Cardiovascular phenotype. Identifiers: MedGen CN230736.

Allele frequency attached by ClinVar (database versions not stated): gnomAD 0.00001; TOPMed 0.00003; ESP Exome Variant Server 0.00008.
gnomAD v4.1: 2 of 1,613,424 alleles (0.00012%); highest among the groups gnomAD compares: African/African-American, 0.0027%; no homozygotes.

Submissions (2):

PreventionGenetics, part of Exact Sciences
Classification: Uncertain significance for TTN-related condition. Last evaluated: 2025-07-23. Review status: criteria provided, single submitter. Criteria: ACMG Guidelines, 2015. Collection method: clinical testing. Allele origin: germline.
Comment: The TTN c.71761G>C variant is predicted to result in the amino acid substitution p.Ala23921Pro. To our knowledge, this variant has not been reported in the literature or in a large population database (gnomAD), indicating this variant is rare. At this time, the clinical significance of this variant is uncertain due to the absence of conclusive functional and genetic evidence.

Ambry Genetics
Classification: Uncertain significance for Cardiovascular phenotype. Last evaluated: 2019-07-18. Review status: criteria provided, single submitter. Criteria: Ambry Variant Classification Scheme 2023. Collection method: clinical testing. Allele origin: germline.
Comment: The p.A14856P variant (also known as c.44566G>C), located in coding exon 153 of the TTN gene, results from a G to C substitution at nucleotide position 44566. The alanine at codon 14856 is replaced by proline, an amino acid with highly similar properties. This amino acid position is highly conserved in available vertebrate species. In addition, this alteration is predicted to be tolerated by in silico analysis. Since supporting evidence is limited at this time, the clinical significance of this alteration remains unclear.

NM_001267550.2(TTN):c.71761G>C (p.Ala23921Pro)

Genes: TTN (titin; minus strand), TTN-AS1 (TTN antisense RNA 1; plus strand). Cytogenetic location: 2q31.2.
Variant type: single nucleotide variant.
Coding change: c.71761G>C on transcript NM_001267550.2 (MANE Select); coding-DNA position 71761, G replaced by C.
Protein change: p.Ala23921Pro; replaces alanine 23921 with proline.
Molecular consequence: missense variant.
Genome position (GRCh38, 1-based): chr2:178,574,371, C>G on the plus strand (G>C on the coding strand, the complement: TTN is on the minus strand). VCF-style: chr2-178574371-C-G. GRCh37 (hg19) VCF-style: chr2-179439098-C-G.
Other names: c.66838G>C, p.Ala22280Pro (NM_001256850.1); c.44566G>C, p.Ala14856Pro (NM_003319.4); c.64057G>C, p.Ala21353Pro (NM_133378.4); c.44941G>C, p.Ala14981Pro (NM_133432.3); c.45142G>C, p.Ala15048Pro (NM_133437.4); short protein forms A14856P, A15048P, A21353P, A22280P, A14981P, A23921P.
Identifiers: ClinVar variation 1740731 (VCV001740731.3), dbSNP rs369272565, ClinGen allele CA61000681.